The following is an entry in ClinVar:

ClinVar aggregate classification (germline): Uncertain significance (1 of 4 stars; one submission).

Conditions:
Cryopyrin associated periodic syndrome (CAPS). Identifiers: Orphanet 208650, MedGen C2316212, MONDO:0016168.

Submission:

Labcorp Genetics (formerly Invitae), Labcorp
Classification: Uncertain significance for Cryopyrin associated periodic syndrome. Last evaluated: 2025-04-14. Review status: criteria provided, single submitter. Criteria: Invitae Variant Classification Sherloc (09022015). Collection method: clinical testing. Allele origin: germline.
Comment: This sequence change replaces leucine, which is neutral and non-polar, with phenylalanine, which is neutral and non-polar, at codon 466 of the NLRP3 protein (p.Leu466Phe). This variant is not present in population databases (gnomAD no frequency). This variant has not been reported in the literature in individuals affected with NLRP3-related conditions. Invitae Evidence Modeling of protein sequence and biophysical properties (such as structural, functional, and spatial information, amino acid conservation, physicochemical variation, residue mobility, and thermodynamic stability) has been performed for this missense variant. However, the output from this modeling did not meet the statistical confidence thresholds required to predict the impact of this variant on NLRP3 protein function. In summary, the available evidence is currently insufficient to determine the role of this variant in disease. Therefore, it has been classified as a Variant of Uncertain Significance.

NM_001243133.2(NLRP3):c.1390C>T (p.Leu464Phe)

Gene: NLRP3 (NLR family pyrin domain containing 3; plus strand). Cytogenetic location: 1q44.
Variant type: single nucleotide variant.
Coding change: c.1390C>T on transcript NM_001243133.2 (MANE Select); coding-DNA position 1390, C replaced by T.
Protein change: p.Leu464Phe; replaces leucine 464 with phenylalanine.
Molecular consequence: missense variant.
Genome position (GRCh38, 1-based): chr1:247,424,839, C>T. VCF-style: chr1-247424839-C-T. GRCh37 (hg19) VCF-style: chr1-247588141-C-T.
Other names: c.1390C>T, p.Leu464Phe (NM_001079821.3, NM_001127461.3, NM_001127462.3 and 1 more transcripts); c.1396C>T, p.Leu466Phe (NM_004895.5); short protein forms L464F, L466F.
Identifiers: ClinVar variation 4806915 (VCV004806915.1).